The following is an entry in ClinVar:

ClinVar aggregate classification (germline): Uncertain significance (1 of 4 stars; one submission).

Allele frequency attached by ClinVar (database versions not stated): gnomAD exomes below 0.00001; TOPMed below 0.00001; gnomAD 0.00001.
gnomAD v4.1: 2 of 1,614,012 alleles (0.00012%); highest among the groups gnomAD compares: African/African-American, 0.0027%; no homozygotes.

Submission:

Labcorp Genetics (formerly Invitae), Labcorp
Classification: Uncertain significance. Last evaluated: 2023-01-15. Review status: criteria provided, single submitter. Criteria: Invitae Variant Classification Sherloc (09022015). Collection method: clinical testing. Allele origin: germline.
Comment: In summary, the available evidence is currently insufficient to determine the role of this variant in disease. Therefore, it has been classified as a Variant of Uncertain Significance. Algorithms developed to predict the effect of sequence changes on RNA splicing suggest that this variant may create or strengthen a splice site. Algorithms developed to predict the effect of missense changes on protein structure and function (SIFT, PolyPhen-2, Align-GVGD) all suggest that this variant is likely to be tolerated. This variant has not been reported in the literature in individuals affected with TRRAP-related conditions. This variant is present in population databases (no rsID available, gnomAD 0.01%). This sequence change replaces histidine, which is basic and polar, with tyrosine, which is neutral and polar, at codon 2628 of the TRRAP protein (p.His2628Tyr).

NM_001375524.1(TRRAP):c.7957C>T (p.His2653Tyr)

Gene: TRRAP (transformation/transcription domain associated protein; plus strand). Cytogenetic location: 7q22.1.
Variant type: single nucleotide variant.
Coding change: c.7957C>T on transcript NM_001375524.1 (MANE Select); coding-DNA position 7957, C replaced by T.
Protein change: p.His2653Tyr; replaces histidine 2653 with tyrosine.
Molecular consequence: missense variant.
Genome position (GRCh38, 1-based): chr7:98,976,266, C>T. VCF-style: chr7-98976266-C-T. GRCh37 (hg19) VCF-style: chr7-98573889-C-T.
Other names: c.7936C>T, p.His2646Tyr (NM_001244580.2); c.7882C>T, p.His2628Tyr (NM_003496.4); short protein forms H2646Y, H2653Y, H2628Y.
Identifiers: ClinVar variation 2998837 (VCV002998837.3), dbSNP rs1213436487, ClinGen allele CA368301646.